The following is an entry in ClinVar:

NM_194248.3(OTOF):c.5810C>T (p.Pro1937Leu)

Gene: OTOF (otoferlin; minus strand). Cytogenetic location: 2p23.3.
Variant type: single nucleotide variant.
Coding change: c.5810C>T on transcript NM_194248.3 (MANE Select); coding-DNA position 5810, C replaced by T.
Protein change: p.Pro1937Leu; replaces proline 1937 with leucine.
Molecular consequence: missense variant.
Genome position (GRCh38, 1-based): chr2:26,460,650, G>A on the plus strand (C>T on the coding strand, the complement: OTOF is on the minus strand). VCF-style: chr2-26460650-G-A. GRCh37 (hg19) VCF-style: chr2-26683518-G-A.
Other names: c.5810C>T, p.Pro1937Leu (NM_001287489.2); c.3509C>T, p.Pro1170Leu (NM_004802.4, NM_194323.3); c.3740C>T, p.Pro1247Leu (NM_194322.3); short protein forms P1170L, P1247L, P1937L.
Identifiers: ClinVar variation 4879901 (VCV004879901.1).

ClinVar aggregate classification (germline): VUS-low (0 of 4 stars; one submission).

Conditions:
Autosomal recessive nonsyndromic hearing loss 9. Also called: NEUROSENSORY NONSYNDROMIC RECESSIVE DEAFNESS 9; OTOF-Related Hearing Loss; Deafness, autosomal recessive 9; AUDITORY NEUROPATHY, AUTOSOMAL RECESSIVE, 1, TEMPERATURE-SENSITIVE. Identifiers: Orphanet 90636, MedGen C1832828, MONDO:0010986, OMIM 601071.

Submission:

Diagnosis and Treatment Center of Genetic Hearing Loss, Eye & ENT Hospital of Fudan University
Classification: VUS-low for Autosomal recessive nonsyndromic hearing loss 9. Last evaluated: 2026-02-04. Review status: no assertion criteria provided. Collection method: clinical testing. Allele origin: germline. Inheritance: Autosomal recessive inheritance. Affected: yes.
Comment: The c.5810C>T missense variant in OTOF is absent from population databases (PM2_Supporting). The REVEL score is 0.593.